The following is an entry in ClinVar:

NM_000350.3(ABCA4):c.5406C>T (p.Ile1802=)

Gene: ABCA4 (ATP binding cassette subfamily A member 4; minus strand). Cytogenetic location: 1p22.1.
Variant type: single nucleotide variant.
Coding change: c.5406C>T on transcript NM_000350.3 (MANE Select); coding-DNA position 5406, C replaced by T.
Protein change: p.Ile1802=; no amino-acid change (isoleucine 1802 retained).
Molecular consequence: synonymous variant.
Genome position (GRCh38, 1-based): chr1:94,014,597, G>A on the plus strand (C>T on the coding strand, the complement: ABCA4 is on the minus strand). VCF-style: chr1-94014597-G-A. GRCh37 (hg19) VCF-style: chr1-94480153-G-A.
Other names: NM_000350.3(ABCA4):c.5406C>T; p.Ile1802=; c.5184C>T, p.Ile1728= (NM_001425324.1).
Identifiers: ClinVar variation 298228 (VCV000298228.15), dbSNP rs202199507, ClinGen allele CA957287.

ClinVar aggregate classification (germline): Uncertain significance. Review status: reviewed by expert panel (3 of 4 stars). 4 submissions from 4 submitters: Uncertain significance (1). 3 of the submissions do not count toward it. Last evaluated 2025-10-28.

Conditions:
ABCA4-related retinopathy. Also called: ABCA4 retinoapthy; ABCA4-related retinoapthy. Identifiers: MedGen CN322612, MONDO:0800406.
ABCA4-related disorder. Also called: ABCA4-related disorders; ABCA4-related condition. Identifiers: MedGen CN239167.

Allele frequency attached by ClinVar (database versions not stated): TOPMed 0.00002; ExAC 0.00003; gnomAD exomes 0.00003 and 0.00004; gnomAD 0.00004.
gnomAD v4.1: 64 of 1,614,042 alleles (0.004%); highest among the groups gnomAD compares: East Asian, 0.016%; no homozygotes.

Submissions (4):

ClinGen ABCA4 Variant Curation Expert Panel, Clingen
Classification: Uncertain significance for ABCA4-related retinopathy. Last evaluated: 2025-10-28. Review status: reviewed by expert panel. Criteria: ClinGen ABCA4 ACMG Specifications V1.0.0. Collection method: curation. Allele origin: germline. Inheritance: Autosomal recessive inheritance.
Comment: The NM_000350.3(ABCA4):c.5406C>T is a synonymous variant (p.Ile1802=). The total minor allele frequency in gnomAD v4.1.0 is 0.000039652 (64/1614042 alleles), which is lower than the ClinGen ABCA4 VCEP’s threshold for PM2_Supporting (<0.0001). The SpliceAI predictor score for this variant is 0.13, which is greater than 0.1, the ABCA4 VCEP's threshold for BP7 or BP4 criterion. To our knowledge, this variant has not been reported in the literature in any individuals with ABCA4-related retinopathy. In summary, this variant meets the criteria to be classified as a variant of uncertain significance for ABCA4-related retinopathy based on the ACMG/AMP criteria applied, as specified by the ClinGen ABCA4 VCEP (Specification Version 1.0.0): PM2_Supporting.

Labcorp Genetics (formerly Invitae), Labcorp
Classification: Likely benign. Last evaluated: 2025-12-09. Review status: criteria provided, single submitter. Criteria: Invitae Variant Classification Sherloc (09022015). Collection method: clinical testing. Allele origin: germline. Not counted in ClinVar's aggregate classification.

Illumina Laboratory Services, Illumina
Classification: Uncertain significance for ABCA4-Related Disorders. Last evaluated: 2018-01-13. Review status: criteria provided, single submitter. Criteria: ICSL Variant Classification Criteria 13 December 2019. Collection method: clinical testing. Allele origin: germline. Not counted in ClinVar's aggregate classification.

PreventionGenetics, part of Exact Sciences
Classification: Likely benign for ABCA4-related condition. Last evaluated: 2019-07-31. Review status: no assertion criteria provided. Collection method: clinical testing. Allele origin: germline. Not counted in ClinVar's aggregate classification.
Comment: This variant is classified as likely benign based on ACMG/AMP sequence variant interpretation guidelines (Richards et al. 2015 PMID: 25741868, with internal and published modifications).